The following is an entry in ClinVar:

NM_025114.4(CEP290):c.6357+3A>G

Genes: CEP290 (centrosomal protein 290; minus strand), LOC129390514 (MPRA-validated peak1864 silencer; plus strand). Cytogenetic location: 12q21.32.
Variant type: single nucleotide variant.
Coding change: c.6357+3A>G on transcript NM_025114.4 (MANE Select); 3 bases into the intron after coding-DNA position 6357, A replaced by G.
Molecular consequence: intron variant.
Genome position (GRCh38, 1-based): chr12:88,062,689, T>C on the plus strand (A>G on the coding strand, the complement: CEP290 is on the minus strand). VCF-style: chr12-88062689-T-C. GRCh37 (hg19) VCF-style: chr12-88456466-T-C.
Identifiers: ClinVar variation 1417679 (VCV001417679.3), dbSNP rs777062671, ClinGen allele CA6711520.

ClinVar aggregate classification (germline): Uncertain significance (1 of 4 stars; one submission).

Conditions:
Joubert syndrome. Also called: CEREBELLOPARENCHYMAL DISORDER IV; JOUBERT-BOLTSHAUSER SYNDROME; Familial aplasia of the vermis. Identifiers: Orphanet 475, MedGen C5979921, MONDO:0018772.
Nephronophthisis. Also called: Juvenile Nephronophthisis. Identifiers: Orphanet 655, MedGen C0687120, MONDO:0019005, HP:0000090.
Meckel-Gruber syndrome. Also called: DYSENCEPHALIA SPLANCHNOCYSTICA; GRUBER SYNDROME; Dysencephalia splachnocystica. Identifiers: Orphanet 564, MedGen C0265215, MONDO:0018921.

Allele frequency attached by ClinVar (database versions not stated): gnomAD exomes 0.00001; ExAC 0.00005.
gnomAD v4.1: 7 of 1,590,240 alleles (0.00044%); highest among the groups gnomAD compares: Middle Eastern, 0.017%; no homozygotes.

Submission:

Labcorp Genetics (formerly Invitae), Labcorp
Classification: Uncertain significance for Joubert syndrome; Meckel-Gruber syndrome; Nephronophthisis. Last evaluated: 2022-02-04. Review status: criteria provided, single submitter. Criteria: Invitae Variant Classification Sherloc (09022015). Collection method: clinical testing. Allele origin: germline.
Comment: This sequence change falls in intron 46 of the CEP290 gene. It does not directly change the encoded amino acid sequence of the CEP290 protein. It affects a nucleotide within the consensus splice site. This variant is present in population databases (rs777062671, gnomAD 0.007%). This variant has not been reported in the literature in individuals affected with CEP290-related conditions. Variants that disrupt the consensus splice site are a relatively common cause of aberrant splicing (PMID: 17576681, 9536098). Algorithms developed to predict the effect of sequence changes on RNA splicing suggest that this variant may disrupt the consensus splice site. In summary, the available evidence is currently insufficient to determine the role of this variant in disease. Therefore, it has been classified as a Variant of Uncertain Significance.

Literature cited by the submitters: PubMed 17576681; PubMed 9536098.